The following is an entry in ClinVar:

ClinVar aggregate classification (germline): Likely benign. Review status: criteria provided, single submitter (1 of 4 stars). 2 submissions from 2 submitters: Likely benign (1). 1 of the submissions does not count toward it. Last evaluated 2024-02-17.

Conditions:
LRP2-related disorder. Also called: LRP2-related condition.

Allele frequency attached by ClinVar (database versions not stated): gnomAD exomes below 0.00001; gnomAD 0.00001.
gnomAD v4.1: 2 of 1,614,042 alleles (0.00012%); highest among the groups gnomAD compares: Admixed American, 0.0033%; no homozygotes.

Submissions (2):

Labcorp Genetics (formerly Invitae), Labcorp
Classification: Likely benign. Last evaluated: 2024-02-17. Review status: criteria provided, single submitter. Criteria: Invitae Variant Classification Sherloc (09022015). Collection method: clinical testing. Allele origin: germline.

PreventionGenetics, part of Exact Sciences
Classification: Likely benign for LRP2-related condition. Last evaluated: 2020-06-15. Review status: no assertion criteria provided. Collection method: clinical testing. Allele origin: germline. Not counted in ClinVar's aggregate classification.
Comment: This variant is classified as likely benign based on ACMG/AMP sequence variant interpretation guidelines (Richards et al. 2015 PMID: 25741868, with internal and published modifications).

NM_004525.3(LRP2):c.11592T>C (p.Asp3864=)

Gene: LRP2 (LDL receptor related protein 2; minus strand). Cytogenetic location: 2q31.1.
Variant type: single nucleotide variant.
Coding change: c.11592T>C on transcript NM_004525.3 (MANE Select); coding-DNA position 11592, T replaced by C.
Protein change: p.Asp3864=; no amino-acid change (aspartic acid 3864 retained).
Molecular consequence: synonymous variant.
Genome position (GRCh38, 1-based): chr2:169,168,582, A>G on the plus strand (T>C on the coding strand, the complement: LRP2 is on the minus strand). VCF-style: chr2-169168582-A-G. GRCh37 (hg19) VCF-style: chr2-170025092-A-G.
Other names: c.11592T>C (NM_004525.2).
Identifiers: ClinVar variation 1532481 (VCV001532481.10), dbSNP rs1184513457, ClinGen allele CA429928155.
Genomic context (GRCh38, chr2:169,168,582, plus strand): 5'-GTTTCTCTCCCTCTTACAGCACAGGTGAAGTTCTTCATCTGAACCATCGCCACAGTCATC[A>G]TCGCCATCACATTTCCAATATGGCGGGATACAAACATGGTTTTTGCATTCGAACATAGTA-3'
Protein context (NP_004516.2, residues 3854-3874): CIPPYWKCDG[Asp3864=]DDCGDGSDEE